The following is an entry in ClinVar:

NC_000006.11:g.(?_129588231)_(129588384_?)del

Gene: LAMA2 (laminin subunit alpha 2; plus strand). Cytogenetic location: 6q22.33.
Variant type: Deletion.
Identifiers: ClinVar variation 2423050 (VCV002423050.5).

ClinVar aggregate classification (germline): Uncertain significance (1 of 4 stars; one submission).

Conditions:
LAMA2-related muscular dystrophy (LAMA2-RD). Also called: Laminin alpha 2-related dystrophy. Identifiers: MedGen C5679788, MONDO:0100228.

Submission:

Labcorp Genetics (formerly Invitae), Labcorp
Classification: Uncertain significance for LAMA2-related muscular dystrophy. Last evaluated: 2021-12-08. Review status: criteria provided, single submitter. Criteria: Invitae Variant Classification Sherloc (09022015). Collection method: clinical testing. Allele origin: germline.
Comment: In summary, the available evidence is currently insufficient to determine the role of this variant in disease. Therefore, it has been classified as a Variant of Uncertain Significance. Experimental studies and prediction algorithms are not available or were not evaluated, and the functional significance of this variant is currently unknown. This variant disrupts a region of the LAMA2 protein in which other variant(s) (p.Trp739Cys) have been observed in individuals with LAMA2-related conditions (PMID: 27353517). This suggests that this is a clinically significant region of the protein, and that variants that disrupt it are likely to be disease-causing. This variant is a gross deletion of the genomic region encompassing exon(s) 16 of the LAMA2 gene. This variant would be expected to be in-frame, preserving the integrity of the reading frame. This variant has not been reported in the literature in individuals affected with LAMA2-related conditions.

Literature cited by the submitters: PubMed 27353517.